The following is an entry in ClinVar:

ClinVar aggregate classification (germline): Pathogenic/Likely pathogenic. Review status: criteria provided, multiple submitters, no conflicts (2 of 4 stars). 4 submissions from 4 submitters: Pathogenic (3); Likely pathogenic (1). Last evaluated 2026-04-22.

Conditions:
Primary ciliary dyskinesia 3. Identifiers: Orphanet 244, MedGen C1837618, MONDO:0012085, OMIM 608644.
Primary ciliary dyskinesia. Also called: Ciliary dyskinesia. Identifiers: Orphanet 244, MedGen C0008780, MONDO:0016575, HP:0012265.

Allele frequency attached by ClinVar (database versions not stated): gnomAD exomes 0.00001.
gnomAD v4.1: 4 of 1,613,240 alleles (0.00025%); highest among the groups gnomAD compares: East Asian, 0.0089%; no homozygotes.

Submissions (4):

The Research Institute of Tuberculosis, Japan Anti-Tuberculosis Association
Classification: Pathogenic for Primary ciliary dyskinesia 3. Last evaluated: 2026-04-22. Review status: criteria provided, single submitter. Criteria: ACMG Guidelines, 2015. Collection method: research. Allele origin: germline. Inheritance: Autosomal recessive inheritance. Affected: yes.
Comment: Classification derived from Franklin (Genoox) summary and internal review. ACMG/AMP guidelines were applied for SNV/indel interpretation. Final classification: Pathogenic. Analysis of RNA transcripts from a nasal mucosal specimen demonstrated loss of normal splicing and generation of an aberrantly spliced transcript associated with this variant, predicted to disrupt gene function by a frameshift (PMID:37260176), supporting PS3. This variant is absent or present at extremely low frequency in population databases (gnomAD: exome 0.00027; genome 0), supporting PM2. This variant has been reported in ClinVar to cosegregate with disease in multiple affected family members, supporting PP1. Evidence (ACMG/AMP codes): PS3, PM2, PM3, PP1, PP5. ClinVar submissions: PATHOGENIC | 1 submitters | RCV001953724.10; LIKELY_PATHOGENIC | 1 submitters | RCV005032014.1.

Natera, Inc.
Classification: Pathogenic for Primary ciliary dyskinesia. Last evaluated: 2024-08-09. Review status: criteria provided, single submitter. Criteria: Natera Variant Classification Schema (03/2026). Collection method: clinical testing. Allele origin: germline.
Comment: The c.9018C>T variant in DNAH5 is a synonymous variant that does not alter the encoded amino acid at position 3006 (p.G3006=). This variant is rare in the general population with a frequency below the threshold expected for the associated phenotype(s). This variant has been observed in one or more individuals affected with the associated recessive disease, as either homozygous or compound heterozygous with a second variant (PMID: 28939216, 31960620, 36864285). Additionally, this variant has been observed to segregate in affected family members (PMID: 28939216). Given the available evidence, this variant is classified as Pathogenic.

Fulgent Genetics
Classification: Likely pathogenic for Primary ciliary dyskinesia 3. Last evaluated: 2024-03-19. Review status: criteria provided, single submitter. Criteria: ACMG Guidelines, 2015. Collection method: clinical testing. Allele origin: germline.

Labcorp Genetics (formerly Invitae), Labcorp
Classification: Pathogenic for Primary ciliary dyskinesia. Last evaluated: 2020-11-14. Review status: criteria provided, single submitter. Criteria: Invitae Variant Classification Sherloc (09022015). Collection method: clinical testing. Allele origin: germline.
Comment: This sequence change affects codon 3006 of the DNAH5 mRNA. It is a 'silent' change, meaning that it does not change the encoded amino acid sequence of the DNAH5 protein. This variant is not present in population databases (ExAC no frequency). This variant has been observed in individual(s) with primary ciliary dyskinesia (PMID: 28939216). It has also been observed to segregate with disease in related individuals. Algorithms developed to predict the effect of sequence changes on RNA splicing suggest that this variant may create or strengthen a splice site, but this prediction has not been confirmed by published transcriptional studies. For these reasons, this variant has been classified as Pathogenic.

Literature cited by the submitters: PubMed 37260176 (cited by The Research Institute of Tuberculosis, Japan Anti-Tuberculosis Association); PubMed 28939216 (cited by Natera, Inc. and Labcorp Genetics (formerly Invitae), Labcorp); PubMed 31960620 (cited by Natera, Inc.); PubMed 36864285 (cited by Natera, Inc.).

NM_001369.3(DNAH5):c.9018C>T (p.Gly3006=)

Gene: DNAH5 (dynein axonemal heavy chain 5; minus strand). Cytogenetic location: 5p15.2.
Variant type: single nucleotide variant.
Coding change: c.9018C>T on transcript NM_001369.3 (MANE Select); coding-DNA position 9018, C replaced by T.
Protein change: p.Gly3006=; no amino-acid change (glycine 3006 retained).
Molecular consequence: synonymous variant.
Genome position (GRCh38, 1-based): chr5:13,777,289, G>A on the plus strand (C>T on the coding strand, the complement: DNAH5 is on the minus strand). VCF-style: chr5-13777289-G-A. GRCh37 (hg19) VCF-style: chr5-13777398-G-A.
Other names: c.9018C>T (NM_001369.2).
Identifiers: ClinVar variation 1457372 (VCV001457372.11), dbSNP rs1754239719, ClinGen allele CA443257074.